The following is an entry in ClinVar:

ClinVar aggregate classification (germline): Uncertain significance (1 of 4 stars; one submission).

Allele frequency attached by ClinVar (database versions not stated): gnomAD exomes below 0.00001.

Submission:

Labcorp Genetics (formerly Invitae), Labcorp
Classification: Uncertain significance. Last evaluated: 2022-08-20. Review status: criteria provided, single submitter. Criteria: Invitae Variant Classification Sherloc (09022015). Collection method: clinical testing. Allele origin: germline.
Comment: This sequence change replaces proline, which is neutral and non-polar, with alanine, which is neutral and non-polar, at codon 365 of the FOXRED1 protein (p.Pro365Ala). This variant is not present in population databases (gnomAD no frequency). This variant has not been reported in the literature in individuals affected with FOXRED1-related conditions. Advanced modeling of protein sequence and biophysical properties (such as structural, functional, and spatial information, amino acid conservation, physicochemical variation, residue mobility, and thermodynamic stability) performed at Invitae indicates that this missense variant is expected to disrupt FOXRED1 protein function. In summary, the available evidence is currently insufficient to determine the role of this variant in disease. Therefore, it has been classified as a Variant of Uncertain Significance.

NM_017547.4(FOXRED1):c.1093C>G (p.Pro365Ala)

Gene: FOXRED1 (FAD dependent oxidoreductase domain containing 1; plus strand). Cytogenetic location: 11q24.2.
Variant type: single nucleotide variant.
Coding change: c.1093C>G on transcript NM_017547.4 (MANE Select); coding-DNA position 1093, C replaced by G.
Protein change: p.Pro365Ala; replaces proline 365 with alanine.
Molecular consequence: missense variant. On other transcripts: non-coding transcript variant (2).
Genome position (GRCh38, 1-based): chr11:126,276,515, C>G. VCF-style: chr11-126276515-C-G. GRCh37 (hg19) VCF-style: chr11-126146410-C-G.
Other names: short protein forms P365A.
Identifiers: ClinVar variation 2104838 (VCV002104838.4), dbSNP rs983469588, ClinGen allele CA383231063.